The following is an entry in ClinVar:

NM_015450.3(POT1):c.197A>G (p.Tyr66Cys)

Gene: POT1 (protection of telomeres 1; minus strand). Cytogenetic location: 7q31.33.
Variant type: single nucleotide variant.
Coding change: c.197A>G on transcript NM_015450.3 (MANE Select); coding-DNA position 197, A replaced by G.
Protein change: p.Tyr66Cys; replaces tyrosine 66 with cysteine.
Molecular consequence: missense variant. On other transcripts: non-coding transcript variant (3), intron variant (1).
Genome position (GRCh38, 1-based): chr7:124,870,969, T>C on the plus strand (A>G on the coding strand, the complement: POT1 is on the minus strand). VCF-style: chr7-124870969-T-C. GRCh37 (hg19) VCF-style: chr7-124511023-T-C.
Other names: c.-138-7329A>G (NM_001042594.2); short protein forms Y66C.
Identifiers: ClinVar variation 475069 (VCV000475069.14), dbSNP rs776085350, ClinGen allele CA4465490.

ClinVar aggregate classification (germline): Conflicting classifications of pathogenicity. Review status: criteria provided, conflicting classifications (1 of 4 stars). 3 submissions from 3 submitters: Uncertain significance (2); Likely benign (1). Last evaluated 2025-04-25.

Conditions:
Tumor predisposition syndrome 3 (TPDS3). Also called: Glioma susceptibility 9; LONG TELOMERE SYNDROME, POT1-RELATED; POT1 Tumor Predisposition; Melanoma, cutaneous malignant, susceptibility to, 10. Identifiers: Orphanet 618, MedGen C4014476, MONDO:0014368, OMIM 615848.
Hereditary cancer-predisposing syndrome. Also called: Hereditary neoplastic syndrome; Hereditary Cancer Syndrome; Neoplastic Syndromes, Hereditary; Tumor predisposition. Identifiers: Orphanet 140162, MedGen C0027672, MeSH D009386, MONDO:0015356.

Allele frequency attached by ClinVar (database versions not stated): gnomAD exomes below 0.00001 and 0.00001; ExAC 0.00001.

Submissions (3):

Ambry Genetics
Classification: Likely benign for Hereditary cancer-predisposing syndrome. Last evaluated: 2025-04-25. Review status: criteria provided, single submitter. Criteria: Ambry Variant Classification Scheme 2023. Collection method: clinical testing. Allele origin: germline.

Department of Pathology and Laboratory Medicine, Sinai Health System
Classification: Uncertain significance for Tumor predisposition syndrome 3. Last evaluated: 2024-02-22. Review status: criteria provided, single submitter. Criteria: ACMG Guidelines, 2015. Collection method: clinical testing. Allele origin: germline.

Labcorp Genetics (formerly Invitae), Labcorp
Classification: Uncertain significance for Tumor predisposition syndrome 3. Last evaluated: 2024-01-25. Review status: criteria provided, single submitter. Criteria: Invitae Variant Classification Sherloc (09022015). Collection method: clinical testing. Allele origin: germline.
Comment: This sequence change replaces tyrosine, which is neutral and polar, with cysteine, which is neutral and slightly polar, at codon 66 of the POT1 protein (p.Tyr66Cys). This variant is present in population databases (rs776085350, gnomAD 0.006%). This variant has not been reported in the literature in individuals affected with POT1-related conditions. ClinVar contains an entry for this variant (Variation ID: 475069). Advanced modeling of protein sequence and biophysical properties (such as structural, functional, and spatial information, amino acid conservation, physicochemical variation, residue mobility, and thermodynamic stability) performed at Invitae indicates that this missense variant is not expected to disrupt POT1 protein function with a negative predictive value of 80%. In summary, the available evidence is currently insufficient to determine the role of this variant in disease. Therefore, it has been classified as a Variant of Uncertain Significance.